The following is an entry in ClinVar:

ClinVar aggregate classification (germline): Uncertain significance. Review status: criteria provided, multiple submitters, no conflicts (2 of 4 stars). 2 submissions from 2 submitters: Uncertain significance (2). Last evaluated 2025-09-30.

Submissions (2):

Mayo Clinic Laboratories, Mayo Clinic
Classification: Uncertain significance. Last evaluated: 2025-09-30. Review status: criteria provided, single submitter. Criteria: ACMG Guidelines, 2015. Collection method: clinical testing. Allele origin: germline. Observed: 1 variant allele.
Comment: BP4_moderate

Revvity Omics, Revvity
Classification: Uncertain significance. Last evaluated: 2023-12-12. Review status: criteria provided, single submitter. Criteria: ACMG Guidelines, 2015. Collection method: clinical testing. Allele origin: germline.

NM_001142864.4(PIEZO1):c.3400C>T (p.Arg1134Cys)

Gene: PIEZO1 (piezo type mechanosensitive ion channel component 1 (Er blood group); minus strand). Cytogenetic location: 16q24.3.
Variant type: single nucleotide variant.
Coding change: c.3400C>T on transcript NM_001142864.4 (MANE Select); coding-DNA position 3400, C replaced by T.
Protein change: p.Arg1134Cys; replaces arginine 1134 with cysteine.
Molecular consequence: missense variant.
Genome position (GRCh38, 1-based): chr16:88,727,094, G>A on the plus strand (C>T on the coding strand, the complement: PIEZO1 is on the minus strand). VCF-style: chr16-88727094-G-A. GRCh37 (hg19) VCF-style: chr16-88793502-G-A.
Other names: p.Arg1134Cys; short protein forms R1134C.
Identifiers: ClinVar variation 4079620 (VCV004079620.2).